The following is an entry in ClinVar:

ClinVar aggregate classification (germline): Pathogenic/Likely pathogenic. Review status: criteria provided, multiple submitters, no conflicts (2 of 4 stars). 4 submissions from 4 submitters: Pathogenic (3); Likely pathogenic (1). Last evaluated 2025-03-26.

Conditions:
CUL3-related disorder. Also called: CUL3-related disorders; CUL3-related condition.

Submissions (4):

3billion
Classification: Pathogenic for CUL3-related disorder. Last evaluated: 2025-03-26. Review status: criteria provided, single submitter. Criteria: ACMG Guidelines, 2015. Collection method: clinical testing. Allele origin: germline. Affected: yes.
Comment: The variant is not observed in the gnomAD v4.1.0 dataset. Predicted Consequence/Location: Canonical splice site: predicted to alter splicing and result in a loss or disruption of normal protein function. Multiple pathogenic loss-of-function variants are reported downstream of the variant. In silico tools predict the variant to alter splicing and produce an abnormal transcript [SpliceAI: 0.99 (spliceogenicity >=0.2, non-spliceogenicity <0.1)]. The variant has been reported at least twice as pathogenic without evidence for the classification (ClinVar ID: VCV001722387 / PMID: 34622103). Therefore, this variant is classified as Pathogenic according to the recommendation of ACMG/AMP guideline.

GeneDx
Classification: Pathogenic. Last evaluated: 2023-07-30. Review status: criteria provided, single submitter. Criteria: GeneDx Variant Classification Process June 2021. Collection method: clinical testing. Allele origin: germline. Affected: yes.
Comment: Canonical splice site variant predicted to result in an in-frame loss of the adjacent exon in a gene for which loss of function is a known mechanism of disease; Not observed at significant frequency in large population cohorts (gnomAD); This variant is associated with the following publications: (PMID: 34622103, 27639857)

Women's Health and Genetics/Laboratory Corporation of America, LabCorp
Classification: Likely pathogenic for CUL3-Related Disorders. Last evaluated: 2022-09-24. Review status: criteria provided, single submitter. Criteria: LabCorp Variant Classification Summary - May 2015. Collection method: clinical testing. Allele origin: germline.
Comment: Variant summary: CUL3 c.1377+1G>A is located in a canonical splice-site and is predicted to affect mRNA splicing resulting in a significantly altered protein due to either exon skipping, shortening, or inclusion of intronic material. Several computational tools predict a significant impact on normal splicing: Four predict the variant abolishes a canonical 5' splicing donor site. However, these predictions have yet to be confirmed by functional studies. The variant was absent in 213176 control chromosomes (gnomAD). c.1377+1G>A has been reported in the literature in at least one individual affected with familial Hyperkalemic Hypertension (Hureaux_2021). These data do not allow any conclusion about variant significance. To our knowledge, no experimental evidence demonstrating an impact on protein function has been reported. No clinical diagnostic laboratories have submitted clinical-significance assessments for this variant to ClinVar after 2014. Based on the evidence outlined above, the variant was classified as likely pathogenic.

Blueprint Genetics
Classification: Pathogenic for CUL3-related disorders. Last evaluated: 2022-04-06. Review status: criteria provided, single submitter. Criteria: ACMG Guidelines, 2015. Collection method: clinical testing. Allele origin: germline. Affected: yes. Observed: 1 variant allele.

Literature cited by the submitters: PubMed 34622103 (cited by 3billion and Women's Health and Genetics/Laboratory Corporation of America, LabCorp).

NM_003590.5(CUL3):c.1377+1G>A

Gene: CUL3 (cullin 3; minus strand). Cytogenetic location: 2q36.2.
Variant type: single nucleotide variant.
Coding change: c.1377+1G>A on transcript NM_003590.5 (MANE Select); the canonical splice donor site of the intron after coding-DNA position 1377, G replaced by A.
Molecular consequence: splice donor variant.
Genome position (GRCh38, 1-based): chr2:224,503,651, C>T on the plus strand (G>A on the coding strand, the complement: CUL3 is on the minus strand). VCF-style: chr2-224503651-C-T. GRCh37 (hg19) VCF-style: chr2-225368368-C-T.
Other names: c.1179+1G>A (NM_001257197.2); c.1395+1G>A (NM_001257198.2).
Identifiers: ClinVar variation 1722387 (VCV001722387.4), dbSNP rs199469660, ClinGen allele CA350826869.
Genomic context (GRCh38, chr2:224,503,651, plus strand): 5'-AGTACACAATCATAATAAACCTCAGTTAGGTGCACTCTATTTCATCTAAAACACACCTTA[C>T]CTTTAACTTAGATATCATGTTTTTTTCAGAGTCATCAGAAACACTTTTATTTGTGAGAAG-3'